The following is an entry in ClinVar:

ClinVar aggregate classification (germline): Uncertain significance (1 of 4 stars; one submission).

Conditions:
Hereditary cancer-predisposing syndrome. Also called: Neoplastic Syndromes, Hereditary; Tumor predisposition; Hereditary neoplastic syndrome; Hereditary Cancer Syndrome. Identifiers: Orphanet 140162, MedGen C0027672, MeSH D009386, MONDO:0015356.

Submission:

Ambry Genetics
Classification: Uncertain significance for Hereditary cancer-predisposing syndrome. Last evaluated: 2026-07-06. Review status: criteria provided, single submitter. Criteria: Ambry Variant Classification Scheme 2023. Collection method: clinical testing. Allele origin: germline.
Comment: The p.A628V variant (also known as c.1883C>T), located in coding exon 12 of the CDH1 gene, results from a C to T substitution at nucleotide position 1883. The alanine at codon 628 is replaced by valine, an amino acid with similar properties. This amino acid position is conserved. In addition, this alteration is predicted to be tolerated by in silico analysis. Based on the available evidence, the clinical significance of this variant remains unclear.

NM_004360.5(CDH1):c.1883C>T (p.Ala628Val)

Gene: CDH1 (cadherin 1; plus strand). Cytogenetic location: 16q22.1.
Variant type: single nucleotide variant.
Coding change: c.1883C>T on transcript NM_004360.5 (MANE Select); coding-DNA position 1883, C replaced by T.
Protein change: p.Ala628Val; replaces alanine 628 with valine.
Molecular consequence: missense variant. On other transcripts: 5 prime UTR variant (1).
Genome position (GRCh38, 1-based): chr16:68,822,172, C>T. VCF-style: chr16-68822172-C-T. GRCh37 (hg19) VCF-style: chr16-68856075-C-T.
Other names: c.1700C>T, p.Ala567Val (NM_001317184.2); c.335C>T, p.Ala112Val (NM_001317185.2); c.-83C>T (NM_001317186.2); short protein forms A112V, A567V, A628V.
Identifiers: ClinVar variation 5033942 (VCV005033942.1).
Genomic context (GRCh38, chr16:68,822,172, plus strand): 5'-AGCCTCAGGTCATAAACATCATTGATGCAGACCTTCCTCCCAATACATCTCCCTTCACAG[C>T]AGAACTAACACACGGGGCGAGTGCCAACTGGACCATTCAGTACAACGACCCAAGTGGGTA-3'
Protein context (NP_004351.1, residues 618-638): DLPPNTSPFT[Ala628Val]ELTHGASANW